The following is an entry in ClinVar:

NM_000195.5(HPS1):c.867+2T>G

Gene: HPS1 (HPS1 biogenesis of lysosomal organelles complex 3 subunit 1; minus strand). Cytogenetic location: 10q24.2.
Variant type: single nucleotide variant.
Coding change: c.867+2T>G on transcript NM_000195.5 (MANE Select); the canonical splice donor site of the intron after coding-DNA position 867, T replaced by G.
Molecular consequence: splice donor variant. On other transcripts: intron variant (8).
Genome position (GRCh38, 1-based): chr10:98,429,789, A>C on the plus strand (T>G on the coding strand, the complement: HPS1 is on the minus strand). VCF-style: chr10-98429789-A-C. GRCh37 (hg19) VCF-style: chr10-100189546-A-C.
Other names: c.498+2T>G (NM_001322483.2, NM_001322484.2); c.606+2T>G (NM_001322480.2, NM_001322481.2); c.769-147T>G (NM_001322478.2, NM_001322479.2, NM_001322491.2); c.867+2T>G (NM_001322476.2, NM_001322477.2, NM_182639.4); c.400-147T>G (NM_001322485.2); c.508-147T>G (NM_001322482.2); c.-105-147T>G (NM_001322489.2, NM_001311345.2); c.-106+2T>G (NM_001322487.2); and 2 more.
Identifiers: ClinVar variation 2130403 (VCV002130403.4), dbSNP rs2538902394, ClinGen allele CA378051361.
Genomic context (GRCh38, chr10:98,429,789, plus strand): 5'-CTGGTCGCCTGCAGAGGCCGATCCCCTCCTGCCCCTGACTCCACGAAGTGCACAGCACAC[A>C]CCGTCTCTGCAGAGCTCCCCCCAGTTGGGCCCGTGGAGTGAGGGCTCCAGGCCTGCTGCA-3'

ClinVar aggregate classification (germline): Likely pathogenic (1 of 4 stars; one submission).

Submission:

Labcorp Genetics (formerly Invitae), Labcorp
Classification: Likely pathogenic. Last evaluated: 2022-04-24. Review status: criteria provided, single submitter. Criteria: Invitae Variant Classification Sherloc (09022015). Collection method: clinical testing. Allele origin: germline.
Comment: This variant is not present in population databases (gnomAD no frequency). This sequence change affects a donor splice site in intron 9 of the HPS1 gene. It is expected to disrupt RNA splicing. Variants that disrupt the donor or acceptor splice site typically lead to a loss of protein function (PMID: 16199547), and loss-of-function variants in HPS1 are known to be pathogenic (PMID: 12442288, 16185271). This variant has not been reported in the literature in individuals affected with HPS1-related conditions. Algorithms developed to predict the effect of sequence changes on RNA splicing suggest that this variant may disrupt the consensus splice site. In summary, the currently available evidence indicates that the variant is pathogenic, but additional data are needed to prove that conclusively. Therefore, this variant has been classified as Likely Pathogenic.

Literature cited by the submitters: PubMed 16199547; PubMed 12442288; PubMed 16185271.